The following is an entry in ClinVar:

NM_002878.4(RAD51D):c.263+1563G>T

Genes: RAD51D (RAD51 paralog D; minus strand), RAD51L3-RFFL (RAD51L3-RFFL readthrough; minus strand). Cytogenetic location: 17q12.
Variant type: single nucleotide variant.
Coding change: c.263+1563G>T on transcript NM_002878.4 (MANE Select); 1563 bases into the intron after coding-DNA position 263, G replaced by T.
Molecular consequence: intron variant. On other transcripts: missense variant (1).
Genome position (GRCh38, 1-based): chr17:35,116,938, C>A on the plus strand (G>T on the coding strand, the complement: RAD51D is on the minus strand). VCF-style: chr17-35116938-C-A. GRCh37 (hg19) VCF-style: chr17-33443957-C-A.
Other names: c.244G>T, p.Ala82Ser (NM_001142571.2); c.144+2173G>T (NM_133629.3); short protein forms A82S.
Identifiers: ClinVar variation 5027841 (VCV005027841.1).

ClinVar aggregate classification (germline): Uncertain significance (1 of 4 stars; one submission).

Conditions:
Hereditary cancer-predisposing syndrome. Also called: Neoplastic Syndromes, Hereditary; Tumor predisposition; Hereditary neoplastic syndrome; Hereditary Cancer Syndrome. Identifiers: Orphanet 140162, MedGen C0027672, MeSH D009386, MONDO:0015356.

Submission:

Ambry Genetics
Classification: Uncertain significance for Hereditary cancer-predisposing syndrome. Last evaluated: 2026-07-07. Review status: criteria provided, single submitter. Criteria: Ambry Variant Classification Scheme 2023. Collection method: clinical testing. Allele origin: germline.
Comment: The p.A82S variant (also known as c.244G>T), located in coding exon 3 of the RAD51D gene, results from a G to T substitution at nucleotide position 244. The alanine at codon 82 is replaced by serine, an amino acid with similar properties. This amino acid position is conserved. In addition, this alteration is predicted to be tolerated by in silico analysis. Based on the available evidence, the clinical significance of this variant remains unclear.